The following is an entry in ClinVar:

NM_003384.3(VRK1):c.216+1G>C

Gene: VRK1 (VRK serine/threonine kinase 1; plus strand). Cytogenetic location: 14q32.2.
Variant type: single nucleotide variant.
Coding change: c.216+1G>C on transcript NM_003384.3 (MANE Select); the canonical splice donor site of the intron after coding-DNA position 216, G replaced by C.
Molecular consequence: splice donor variant.
Genome position (GRCh38, 1-based): chr14:96,837,818, G>C. VCF-style: chr14-96837818-G-C. GRCh37 (hg19) VCF-style: chr14-97304155-G-C.
Other names: c.216+1G>C (NM_003384.2, NM_001411051.1, NM_001411053.1).
Identifiers: ClinVar variation 1066779 (VCV001066779.13), dbSNP rs774518440, ClinGen allele CA390931922.

ClinVar aggregate classification (germline): Likely pathogenic. Review status: criteria provided, multiple submitters, no conflicts (2 of 4 stars). 3 submissions from 3 submitters: Likely pathogenic (3). Last evaluated 2025-08-11.

Conditions:
Inborn genetic diseases. Identifiers: MedGen C0950123, MeSH D030342.
Pontocerebellar hypoplasia type 1A (PCH1A). Also called: PONTOCEREBELLAR HYPOPLASIA WITH ANTERIOR HORN CELL DISEASE; PONTOCEREBELLAR HYPOPLASIA WITH INFANTILE SPINAL MUSCULAR ATROPHY. Identifiers: Orphanet 2254, Orphanet 88616, MedGen C1843504, MONDO:0011866, OMIM 607596.

Allele frequency attached by ClinVar (database versions not stated): gnomAD 0.00002; TOPMed 0.00002.
gnomAD v4.1: 3 of 1,546,506 alleles (0.00019%); highest among the groups gnomAD compares: African/African-American, 0.0014%; no homozygotes.

Submissions (3):

Natera, Inc.
Classification: Likely pathogenic for Pontocerebellar hypoplasia, type 1a. Last evaluated: 2025-08-11. Review status: criteria provided, single submitter. Criteria: Natera Variant Classification Schema (03/2026). Collection method: clinical testing. Allele origin: germline.
Comment: The c.216+1G>C variant in VRK1 is a canonical splice donor site variant predicted to affect pre-mRNA splicing, which may result in an abnormal transcript and altered protein product. This variant is expected to result in nonsense mediated decay, truncation, or a dysfunctional protein product. This variant is rare in the general population with a frequency below the threshold expected for the associated phenotype(s). Given the available evidence, this variant is classified as Likely Pathogenic.

Labcorp Genetics (formerly Invitae), Labcorp
Classification: Likely pathogenic for Pontocerebellar hypoplasia type 1A. Last evaluated: 2024-10-07. Review status: criteria provided, single submitter. Criteria: Invitae Variant Classification Sherloc (09022015). Collection method: clinical testing. Allele origin: germline.
Comment: This sequence change affects a donor splice site in intron 3 of the VRK1 gene. It is expected to disrupt RNA splicing. Variants that disrupt the donor or acceptor splice site typically lead to a loss of protein function (PMID: 16199547), and loss-of-function variants in VRK1 are known to be pathogenic (PMID: 19646678, 24126608, 27281532). This variant is not present in population databases (gnomAD no frequency). This variant has not been reported in the literature in individuals affected with VRK1-related conditions. ClinVar contains an entry for this variant (Variation ID: 1066779). Algorithms developed to predict the effect of sequence changes on RNA splicing suggest that this variant may disrupt the consensus splice site. In summary, the currently available evidence indicates that the variant is pathogenic, but additional data are needed to prove that conclusively. Therefore, this variant has been classified as Likely Pathogenic.

Ambry Genetics
Classification: Likely pathogenic for Inborn genetic diseases. Last evaluated: 2019-12-03. Review status: criteria provided, single submitter. Criteria: Ambry Variant Classification Scheme 2023. Collection method: clinical testing. Allele origin: germline.
Comment: The c.216+1G>C intronic variant results from a G to C substitution one nucleotide after coding exon 2 of the VRK1 gene. Alterations that disrupt the canonical splice site are expected to cause aberrant splicing, resulting in an abnormal protein or a transcript that is subject to nonsense-mediated mRNA decay. As such, this alteration is classified as likely pathogenic.

Literature cited by the submitters: PubMed 16199547 (cited by Labcorp Genetics (formerly Invitae), Labcorp); PubMed 19646678 (cited by Labcorp Genetics (formerly Invitae), Labcorp); PubMed 24126608 (cited by Labcorp Genetics (formerly Invitae), Labcorp); PubMed 27281532 (cited by Labcorp Genetics (formerly Invitae), Labcorp).